The following is an entry in ClinVar:

NM_006031.6(PCNT):c.7874G>A (p.Arg2625Gln)

Gene: PCNT (pericentrin; plus strand). Cytogenetic location: 21q22.3.
Variant type: single nucleotide variant.
Coding change: c.7874G>A on transcript NM_006031.6 (MANE Select); coding-DNA position 7874, G replaced by A.
Protein change: p.Arg2625Gln; replaces arginine 2625 with glutamine.
Molecular consequence: missense variant.
Genome position (GRCh38, 1-based): chr21:46,430,193, G>A. VCF-style: chr21-46430193-G-A. GRCh37 (hg19) VCF-style: chr21-47850107-G-A.
Other names: p.R2625Q:CGG>CAG; c.7520G>A, p.Arg2507Gln (NM_001315529.2); short protein forms R2625Q, R2507Q.
Identifiers: ClinVar variation 138607 (VCV000138607.18), dbSNP rs8131693, ClinGen allele CA173108.
Genomic context (GRCh38, chr21:46,430,193, plus strand): 5'-TAGTGCGAGATTTGAAGTCCGACCTCTGTGAGAGCAGGCAGAAGAGCGAACAGCTGTCCC[G>A]GTCCCTCTGCGAGGTGCAGCAGGAGGTCCTCCAGCTGAGGTGCGCCTGATCCCCCTTCCT-3'
Protein context (NP_006022.3, residues 2615-2635): ESRQKSEQLS[Arg2625Gln]SLCEVQQEVL

ClinVar aggregate classification (germline): Benign. Review status: criteria provided, multiple submitters, no conflicts (2 of 4 stars). 7 submissions from 7 submitters: Benign (5). 2 of the submissions do not count toward it. Last evaluated 2026-02-02.

Conditions:
Microcephalic osteodysplastic primordial dwarfism type II (MOPD2). Also called: Microcephalic osteodysplastic primordial dwarfism with tooth abnormalities; OSTEODYSPLASTIC PRIMORDIAL DWARFISM, TYPE II; MOPD II. Identifiers: Orphanet 2637, MedGen C0432246, MONDO:0008872, OMIM 210720.

Allele frequency attached by ClinVar (database versions not stated): ExAC 0.01915; gnomAD 0.05976; 1000 Genomes Project 0.06370; TOPMed 0.06576; ESP Exome Variant Server 0.06866; 1000 Genomes Project 30x 0.07105.

Submissions (7):

Labcorp Genetics (formerly Invitae), Labcorp
Classification: Benign. Last evaluated: 2026-02-02. Review status: criteria provided, single submitter. Criteria: Invitae Variant Classification Sherloc (09022015). Collection method: clinical testing. Allele origin: germline.

Illumina Laboratory Services, Illumina
Classification: Benign for Microcephalic osteodysplastic primordial dwarfism type II. Last evaluated: 2018-01-13. Review status: criteria provided, single submitter. Criteria: ICSL Variant Classification Criteria 13 December 2019. Collection method: clinical testing. Allele origin: germline.
Comment: This variant was observed in the ICSL laboratory as part of a predisposition screen in an ostensibly healthy population. It had not been previously curated by ICSL or reported in the Human Gene Mutation Database (HGMD: prior to June 1st, 2018), and was therefore a candidate for classification through an automated scoring system. Utilizing variant allele frequency, disease prevalence and penetrance estimates, and inheritance mode, an automated score was calculated to assess if this variant is too frequent to cause the disease. Based on the score and internal cut-off values, a variant classified as benign is not then subjected to further curation. The score for this variant resulted in a classification of benign for this disease.

GeneDx
Classification: Benign. Last evaluated: 2014-06-02. Review status: criteria provided, single submitter. Criteria: GeneDx Variant Classification (06012015). Collection method: clinical testing. Allele origin: germline. Affected: yes.
Comment: This variant is considered likely benign or benign based on one or more of the following criteria: it is a conservative change, it occurs at a poorly conserved position in the protein, it is predicted to be benign by multiple in silico algorithms, and/or has population frequency not consistent with disease.

Genetic Services Laboratory, University of Chicago
Classification: Benign. Last evaluated: 2013-02-08. Review status: criteria provided, single submitter. Criteria: ACMG Guidelines, 2007. Collection method: clinical testing. Allele origin: germline. Inheritance: Autosomal recessive inheritance.

Breakthrough Genomics
Classification: Benign. Review status: criteria provided, single submitter. Criteria: ACMG Guidelines, 2015. Collection method: not provided. Allele origin: germline. Inheritance: Autosomal recessive inheritance. Affected: yes.

Clinical Genetics DNA and cytogenetics Diagnostics Lab, Erasmus MC, Erasmus Medical Center
Classification: Benign. Review status: no assertion criteria provided. Collection method: clinical testing. Allele origin: germline. Affected: yes. Study: VKGL Data-share Consensus. Not counted in ClinVar's aggregate classification.

Laboratory of Diagnostic Genome Analysis, Leiden University Medical Center (LUMC)
Classification: Benign. Review status: no assertion criteria provided. Collection method: clinical testing. Allele origin: germline. Affected: yes. Study: VKGL Data-share Consensus. Not counted in ClinVar's aggregate classification.